The following is an entry in ClinVar:

ClinVar aggregate classification (germline): Uncertain significance (1 of 4 stars; one submission).

Conditions:
Hereditary diffuse gastric adenocarcinoma (HDGC). Also called: DIFFUSE GASTRIC AND LOBULAR BREAST CANCER SYNDROME. Identifiers: Orphanet 26106, MedGen C1708349, MONDO:0007648, OMIM 137215.

Submission:

Labcorp Genetics (formerly Invitae), Labcorp
Classification: Uncertain significance for Hereditary diffuse gastric adenocarcinoma. Last evaluated: 2023-01-21. Review status: criteria provided, single submitter. Criteria: Invitae Variant Classification Sherloc (09022015). Collection method: clinical testing. Allele origin: germline.
Comment: In summary, the available evidence is currently insufficient to determine the role of this variant in disease. Therefore, it has been classified as a Variant of Uncertain Significance. Algorithms developed to predict the effect of missense changes on protein structure and function are either unavailable or do not agree on the potential impact of this missense change (SIFT: "Deleterious"; PolyPhen-2: "Possibly Damaging"; Align-GVGD: "Class C0"). ClinVar contains an entry for this variant (Variation ID: 1051730). This variant has not been reported in the literature in individuals affected with CDH1-related conditions. This variant is not present in population databases (gnomAD no frequency). This sequence change replaces serine, which is neutral and polar, with leucine, which is neutral and non-polar, at codon 236 of the CDH1 protein (p.Ser236Leu).

NM_004360.5(CDH1):c.707C>T (p.Ser236Leu)

Gene: CDH1 (cadherin 1; plus strand). Cytogenetic location: 16q22.1.
Variant type: single nucleotide variant.
Coding change: c.707C>T on transcript NM_004360.5 (MANE Select); coding-DNA position 707, C replaced by T.
Protein change: p.Ser236Leu; replaces serine 236 with leucine.
Molecular consequence: missense variant. On other transcripts: 5 prime UTR variant (2).
Genome position (GRCh38, 1-based): chr16:68,810,216, C>T. VCF-style: chr16-68810216-C-T. GRCh37 (hg19) VCF-style: chr16-68844119-C-T.
Other names: c.707C>T, p.Ser236Leu (NM_001317184.2); c.-909C>T (NM_001317185.2); c.-1113C>T (NM_001317186.2); short protein forms S236L.
Identifiers: ClinVar variation 1051730 (VCV001051730.10), dbSNP rs730881663, ClinGen allele CA396458423.